The following is an entry in ClinVar:

NM_016239.4(MYO15A):c.8340+5G>A

Gene: MYO15A (myosin XVA; plus strand). Cytogenetic location: 17p11.2.
Variant type: single nucleotide variant.
Coding change: c.8340+5G>A on transcript NM_016239.4 (MANE Select); 5 bases into the intron after coding-DNA position 8340, G replaced by A.
Molecular consequence: intron variant.
Genome position (GRCh38, 1-based): chr17:18,155,230, G>A. VCF-style: chr17-18155230-G-A. GRCh37 (hg19) VCF-style: chr17-18058544-G-A.
Identifiers: ClinVar variation 505073 (VCV000505073.26), dbSNP rs752773977, ClinGen allele CA8425125.

ClinVar aggregate classification (germline): Conflicting classifications of pathogenicity. Review status: criteria provided, conflicting classifications (1 of 4 stars). 3 submissions from 3 submitters: Pathogenic (1); Uncertain significance (2). Last evaluated 2016-06-09.

Conditions:
Autosomal recessive nonsyndromic hearing loss 3. Also called: NEUROSENSORY NONSYNDROMIC RECESSIVE DEAFNESS 3. Identifiers: Orphanet 90636, MedGen C1838263, MONDO:0010860, OMIM 600316.

Allele frequency attached by ClinVar (database versions not stated): gnomAD exomes below 0.00001 and 0.00001; TOPMed below 0.00001; gnomAD 0.00001; ExAC 0.00002.
gnomAD v4.1: 3 of 1,613,818 alleles (0.00019%); highest among the groups gnomAD compares: African/African-American, 0.0027%; no homozygotes.

Submissions (3):

Laboratory for Molecular Medicine, Mass General Brigham Personalized Medicine
Classification: Uncertain significance. Last evaluated: 2016-06-09. Review status: criteria provided, single submitter. Criteria: LMM Criteria. Collection method: clinical testing. Allele origin: germline. Observed: 2 variant alleles.
Comment: Variant classified as Uncertain Significance - Favor Pathogenic. The c.8340+5G>A variant in MYO15A has not been previously reported in individuals with hearing loss. This variant was identified in 1/66250 European chromosomes and in 1/1650 4 South Asian chromosomes by the Exome Aggregation Consortium (ExAC .; dbSNP rs752773977). This variant is located in the 5' splic e region. Computational tools suggest an impact to splicing. However, this infor mation is not predictive enough to determine pathogenicity. In summary, while th ere is some suspicion for a pathogenic role, the clinical significance of the c. 8340+5G>A variant is uncertain.

Juno Genomics, Hangzhou Juno Genomics, Inc
Classification: Uncertain significance for Autosomal recessive nonsyndromic hearing loss 3. Review status: criteria provided, single submitter. Criteria: ACMG Guidelines, 2015. Collection method: clinical testing. Allele origin: germline. Affected: yes.
Comment: Absent from controls (or at extremely low frequency if recessive) in Genome Aggregation Database, Exome Sequencing Project, 1000 Genomes Project, or Exome Aggregation Consortium.;Null variant in a gene where loss of function (LOF) is a known mechanism of disease.;For recessive disorders, detected in trans with a pathogenic variant.

Molecular Diagnosis Center for Deafness
Classification: Pathogenic for Autosomal recessive nonsyndromic hearing loss 3. Review status: criteria provided, single submitter. Criteria: ClinGen HL ACMG Specifications v1. Collection method: clinical testing. Allele origin: maternal. Observed: 2 variant alleles.